The following is an entry in ClinVar:

ClinVar aggregate classification (germline): Uncertain significance (1 of 4 stars; one submission).

Conditions:
Primary ciliary dyskinesia. Also called: Ciliary dyskinesia. Identifiers: Orphanet 244, MedGen C0008780, MONDO:0016575, HP:0012265.

Allele frequency attached by ClinVar (database versions not stated): ExAC 0.00001; gnomAD 0.00001; TOPMed 0.00001; gnomAD exomes 0.00003.
gnomAD v4.1: 46 of 1,613,898 alleles (0.0029%); highest among the groups gnomAD compares: Middle Eastern, 0.016%; no homozygotes.

Submission:

Labcorp Genetics (formerly Invitae), Labcorp
Classification: Uncertain significance for Primary ciliary dyskinesia. Last evaluated: 2022-11-22. Review status: criteria provided, single submitter. Criteria: Invitae Variant Classification Sherloc (09022015). Collection method: clinical testing. Allele origin: germline.
Comment: In summary, the available evidence is currently insufficient to determine the role of this variant in disease. Therefore, it has been classified as a Variant of Uncertain Significance. Algorithms developed to predict the effect of missense changes on protein structure and function (SIFT, PolyPhen-2, Align-GVGD) all suggest that this variant is likely to be tolerated. This variant has not been reported in the literature in individuals affected with CCDC40-related conditions. This variant is present in population databases (rs541366157, gnomAD 0.005%). This sequence change replaces glutamic acid, which is acidic and polar, with lysine, which is basic and polar, at codon 269 of the CCDC40 protein (p.Glu269Lys).

NM_017950.4(CCDC40):c.805G>A (p.Glu269Lys)

Gene: CCDC40 (coiled-coil domain 40 molecular ruler complex subunit; plus strand). Cytogenetic location: 17q25.3.
Variant type: single nucleotide variant.
Coding change: c.805G>A on transcript NM_017950.4 (MANE Select); coding-DNA position 805, G replaced by A.
Protein change: p.Glu269Lys; replaces glutamic acid 269 with lysine.
Molecular consequence: missense variant.
Genome position (GRCh38, 1-based): chr17:80,048,711, G>A. VCF-style: chr17-80048711-G-A. GRCh37 (hg19) VCF-style: chr17-78022510-G-A.
Other names: c.805G>A, p.Glu269Lys (NM_001243342.2, NM_001330508.2); short protein forms E269K.
Identifiers: ClinVar variation 1983148 (VCV001983148.2), dbSNP rs541366157, ClinGen allele CA8813575.